The following is an entry in ClinVar:

NM_001386795.1(DTNA):c.229A>G (p.Asn77Asp)

Gene: DTNA (dystrobrevin alpha; plus strand). Cytogenetic location: 18q12.1.
Variant type: single nucleotide variant.
Coding change: c.229A>G on transcript NM_001386795.1 (MANE Select); coding-DNA position 229, A replaced by G.
Protein change: p.Asn77Asp; replaces asparagine 77 with aspartic acid.
Molecular consequence: missense variant.
Genome position (GRCh38, 1-based): chr18:34,794,117, A>G. VCF-style: chr18-34794117-A-G. GRCh37 (hg19) VCF-style: chr18-32374081-A-G.
Other names: c.229A>G, p.Asn77Asp (NM_001128175.2, NM_001198938.2, NM_001198939.2 and 35 more transcripts); short protein forms N77D.
Identifiers: ClinVar variation 445896 (VCV000445896.22), dbSNP rs147782267, ClinGen allele CA8935318.

ClinVar aggregate classification (germline): Conflicting classifications of pathogenicity. Review status: criteria provided, conflicting classifications (1 of 4 stars). 5 submissions from 5 submitters: Uncertain significance (2); Likely benign (3). Last evaluated 2025-07-21.

Conditions:
Left ventricular noncompaction 1 (LVNC1). Also called: LEFT VENTRICULAR NONCOMPACTION 1 WITH OR WITHOUT CONGENITAL HEART DEFECTS. Identifiers: Orphanet 54260, MedGen C1858725, MONDO:0011403, OMIM 604169.

Allele frequency attached by ClinVar (database versions not stated): TOPMed 0.00006; gnomAD 0.00007; gnomAD exomes 0.00007 and 0.00010; ExAC 0.00011; ESP Exome Variant Server 0.00023.
gnomAD v4.1: 114 of 1,614,144 alleles (0.0071%); highest among the groups gnomAD compares: East Asian, 0.0067%; no homozygotes.

Submissions (5):

Labcorp Genetics (formerly Invitae), Labcorp
Classification: Likely benign for Left ventricular noncompaction 1. Last evaluated: 2025-07-21. Review status: criteria provided, single submitter. Criteria: Invitae Variant Classification Sherloc (09022015). Collection method: clinical testing. Allele origin: germline.

CeGaT Center for Human Genetics Tuebingen
Classification: Likely benign. Last evaluated: 2025-03-01. Review status: criteria provided, single submitter. Criteria: CeGaT Center For Human Genetics Tuebingen Variant Classification Criteria Version 2. Collection method: clinical testing. Allele origin: germline. Affected: yes. Observed: 1 variant allele.
Comment: DTNA: BP4

Blueprint Genetics
Classification: Likely benign. Last evaluated: 2024-10-24. Review status: criteria provided, single submitter. Criteria: ACMG Guidelines, 2015. Collection method: clinical testing. Allele origin: germline.

Ambry Genetics
Classification: Uncertain significance. Last evaluated: 2021-12-21. Review status: criteria provided, single submitter. Criteria: Ambry Variant Classification Scheme 2023. Collection method: clinical testing. Allele origin: germline.

Center for Pediatric Genomic Medicine, Children's Mercy Hospital and Clinics
Classification: Uncertain significance. Last evaluated: 2017-06-28. Review status: criteria provided, single submitter. Criteria: ACMG Guidelines, 2015. Collection method: clinical testing. Allele origin: germline.